The following is an entry in ClinVar:

ClinVar aggregate classification (germline): Uncertain significance (1 of 4 stars; one submission).

gnomAD v4.1: 1 of 1,512,300 alleles (0.000066%); highest among the groups gnomAD compares: Non-Finnish European, 0.000088%; no homozygotes.

Submission:

GeneDx
Classification: Uncertain significance. Last evaluated: 2024-11-04. Review status: criteria provided, single submitter. Criteria: GeneDx Variant Classification Process June 2021. Collection method: clinical testing. Allele origin: germline. Affected: yes.
Comment: Not observed at significant frequency in large population cohorts (gnomAD); In silico analysis indicates that this missense variant does not alter protein structure/function; Has not been previously published as pathogenic or benign to our knowledge

NM_001379200.1(TBX1):c.1022G>A (p.Ser341Asn)

Gene: TBX1 (T-box transcription factor 1; plus strand). Cytogenetic location: 22q11.21.
Variant type: single nucleotide variant.
Coding change: c.1022G>A on transcript NM_001379200.1 (MANE Select); coding-DNA position 1022, G replaced by A.
Protein change: p.Ser341Asn; replaces serine 341 with asparagine.
Molecular consequence: missense variant.
Genome position (GRCh38, 1-based): chr22:19,765,988, G>A. VCF-style: chr22-19765988-G-A. GRCh37 (hg19) VCF-style: chr22-19753511-G-A.
Other names: c.995G>A, p.Ser332Asn (NM_005992.1, NM_080646.2, NM_080647.1); short protein forms S332N, S341N.
Identifiers: ClinVar variation 3897195 (VCV003897195.1).